The following is an entry in ClinVar:

NM_201384.3(PLEC):c.9577G>A (p.Gly3193Ser)

Gene: PLEC (plectin; minus strand). Cytogenetic location: 8q24.3.
Variant type: single nucleotide variant.
Coding change: c.9577G>A on transcript NM_201384.3 (MANE Select); coding-DNA position 9577, G replaced by A.
Protein change: p.Gly3193Ser; replaces glycine 3193 with serine.
Molecular consequence: missense variant.
Genome position (GRCh38, 1-based): chr8:143,920,244, C>T on the plus strand (G>A on the coding strand, the complement: PLEC is on the minus strand). VCF-style: chr8-143920244-C-T. GRCh37 (hg19) VCF-style: chr8-144994412-C-T.
Other names: c.9658G>A, p.Gly3220Ser (NM_000445.5); c.9535G>A, p.Gly3179Ser (NM_201378.4); c.9511G>A, p.Gly3171Ser (NM_201379.3); c.9988G>A, p.Gly3330Ser (NM_201380.4); c.9481G>A, p.Gly3161Ser (NM_201381.3); c.9577G>A, p.Gly3193Ser (NM_201382.4); c.9589G>A, p.Gly3197Ser (NM_201383.3); c.9658G>A (NM_000445.4, NM_000445.3); short protein forms G3161S, G3193S, G3171S, G3179S, G3197S, G3220S, G3330S.
Identifiers: ClinVar variation 283017 (VCV000283017.16), dbSNP rs201402970, ClinGen allele CA4924926.

ClinVar aggregate classification (germline): Uncertain significance. Review status: criteria provided, multiple submitters, no conflicts (2 of 4 stars). 4 submissions from 4 submitters: Uncertain significance (4). Last evaluated 2026-01-27.

Conditions:
PLEC-related disorder. Also called: PLEC-related condition; PLEC-related disorders.
Epidermolysis bullosa simplex 5C, with pyloric atresia (EBS5C). Also called: PLEC-Related Epidermolysis Bullosa with Pyloric Atresia; Epidermolysis bullosa simplex with pyloric atresia; PLEC1-Related Epidermolysis Bullosa with Pyloric Atresia. Identifiers: Orphanet 158684, MedGen C2677349, MONDO:0012807, OMIM 612138.
Epidermolysis bullosa simplex with nail dystrophy (EBS5D). Identifiers: MedGen C4225309, MONDO:0014661, OMIM 616487.
Autosomal recessive limb-girdle muscular dystrophy type 2Q (LGMDR17). Also called: MUSCULAR DYSTROPHY, LIMB-GIRDLE, AUTOSOMAL RECESSIVE 17. Identifiers: Orphanet 254361, MedGen C3150989, MONDO:0013390, OMIM 613723.
Epidermolysis bullosa simplex, Ogna type (EBS5A). Also called: Pidermolysis bullosa simplex 5A, Ogna type; EPIDERMOLYSIS BULLOSA SIMPLEX 5A, OGNA TYPE. Identifiers: Orphanet 79401, MedGen C0432317, MONDO:0007555, OMIM 131950.
Epidermolysis bullosa simplex 5B, with muscular dystrophy (EBS5B). Also called: EPIDERMOLYSIS BULLOSA SIMPLEX AND LIMB-GIRDLE MUSCULAR DYSTROPHY; Epidermolysis bullosa simplex with muscular dystrophy. Identifiers: Orphanet 257, MedGen C2931072, MONDO:0009181, OMIM 226670.

Allele frequency attached by ClinVar (database versions not stated): 1000 Genomes Project 30x 0.00016; 1000 Genomes Project 0.00020; TOPMed 0.00006.
gnomAD v4.1: 96 of 1,600,214 alleles (0.006%); highest among the groups gnomAD compares: Middle Eastern, 0.017%; no homozygotes.

Submissions (4):

PreventionGenetics, part of Exact Sciences
Classification: Uncertain significance for PLEC-related condition. Last evaluated: 2026-01-27. Review status: criteria provided, single submitter. Criteria: ACMG Guidelines, 2015. Collection method: clinical testing. Allele origin: germline.
Comment: The PLEC c.9658G>A variant is predicted to result in the amino acid substitution p.Gly3220Ser. To our knowledge, this variant has not been reported in the literature. This variant is reported in 0.0067% of alleles in individuals of South Asian descent in gnomAD. At this time, the clinical significance of this variant is uncertain due to the absence of conclusive functional and genetic evidence.

Labcorp Genetics (formerly Invitae), Labcorp
Classification: Uncertain significance for Autosomal recessive limb-girdle muscular dystrophy type 2Q; Epidermolysis bullosa simplex, Ogna type; Epidermolysis bullosa simplex with nail dystrophy; Epidermolysis bullosa simplex 5C, with pyloric atresia; Epidermolysis bullosa simplex 5B, with muscular dystrophy. Last evaluated: 2024-08-12. Review status: criteria provided, single submitter. Criteria: Invitae Variant Classification Sherloc (09022015). Collection method: clinical testing. Allele origin: germline.
Comment: This sequence change replaces glycine, which is neutral and non-polar, with serine, which is neutral and polar, at codon 3220 of the PLEC protein (p.Gly3220Ser). This variant is present in population databases (rs201402970, gnomAD 0.007%). This variant has not been reported in the literature in individuals affected with PLEC-related conditions. ClinVar contains an entry for this variant (Variation ID: 283017). An algorithm developed to predict the effect of missense changes on protein structure and function outputs the following: PolyPhen-2: "Benign". The serine amino acid residue is found in multiple mammalian species, which suggests that this missense change does not adversely affect protein function. In summary, the available evidence is currently insufficient to determine the role of this variant in disease. Therefore, it has been classified as a Variant of Uncertain Significance.

Revvity Omics, Revvity
Classification: Uncertain significance. Last evaluated: 2019-12-30. Review status: criteria provided, single submitter. Criteria: ACMG Guidelines, 2015. Collection method: clinical testing. Allele origin: germline.

Eurofins Ntd Llc (ga)
Classification: Uncertain significance. Last evaluated: 2015-09-03. Review status: criteria provided, single submitter. Criteria: EGL Classification Definitions 2015. Collection method: clinical testing. Allele origin: germline. Observed: 1 variant allele, 1 heterozygote.